The following is an entry in ClinVar:

NM_004655.4(AXIN2):c.796A>G (p.Thr266Ala)

Gene: AXIN2 (axin 2; minus strand). Cytogenetic location: 17q24.1.
Variant type: single nucleotide variant.
Coding change: c.796A>G on transcript NM_004655.4 (MANE Select); coding-DNA position 796, A replaced by G.
Protein change: p.Thr266Ala; replaces threonine 266 with alanine.
Molecular consequence: missense variant.
Genome position (GRCh38, 1-based): chr17:65,557,825, T>C on the plus strand (A>G on the coding strand, the complement: AXIN2 is on the minus strand). VCF-style: chr17-65557825-T-C. GRCh37 (hg19) VCF-style: chr17-63553943-T-C.
Other names: c.796A>G, p.Thr266Ala (NM_001363813.1); c.796A>G (LRG_296t1); short protein forms T266A.
Identifiers: ClinVar variation 533143 (VCV000533143.16), dbSNP rs1555583178, ClinGen allele CA400680237.

ClinVar aggregate classification (germline): Uncertain significance. Review status: criteria provided, multiple submitters, no conflicts (2 of 4 stars). 3 submissions from 3 submitters: Uncertain significance (3). Last evaluated 2024-10-16.

Conditions:
Colorectal cancer. Also called: Colorectal cancer, somatic; Malignant Colorectal Neoplasm. Identifiers: MedGen C0346629, MONDO:0005575, OMIM 114500.
Hereditary cancer-predisposing syndrome. Also called: Hereditary neoplastic syndrome; Neoplastic Syndromes, Hereditary; Tumor predisposition; Hereditary Cancer Syndrome. Identifiers: Orphanet 140162, MedGen C0027672, MeSH D009386, MONDO:0015356.
Oligodontia-cancer predisposition syndrome. Also called: TOOTH AGENESIS-COLORECTAL CANCER SYNDROME. Identifiers: Orphanet 300576, MedGen C1837750, MONDO:0012075, OMIM 608615. Disease mechanism: loss of function.

Allele frequency attached by ClinVar (database versions not stated): TOPMed below 0.00001.

Submissions (3):

Labcorp Genetics (formerly Invitae), Labcorp
Classification: Uncertain significance for Oligodontia-cancer predisposition syndrome. Last evaluated: 2024-10-16. Review status: criteria provided, single submitter. Criteria: Invitae Variant Classification Sherloc (09022015). Collection method: clinical testing. Allele origin: germline.
Comment: This sequence change replaces threonine, which is neutral and polar, with alanine, which is neutral and non-polar, at codon 266 of the AXIN2 protein (p.Thr266Ala). This variant is not present in population databases (gnomAD no frequency). This variant has not been reported in the literature in individuals affected with AXIN2-related conditions. ClinVar contains an entry for this variant (Variation ID: 533143). Invitae Evidence Modeling of protein sequence and biophysical properties (such as structural, functional, and spatial information, amino acid conservation, physicochemical variation, residue mobility, and thermodynamic stability) indicates that this missense variant is not expected to disrupt AXIN2 protein function with a negative predictive value of 80%. In summary, the available evidence is currently insufficient to determine the role of this variant in disease. Therefore, it has been classified as a Variant of Uncertain Significance.

Ambry Genetics
Classification: Uncertain significance for Hereditary cancer-predisposing syndrome. Last evaluated: 2024-05-31. Review status: criteria provided, single submitter. Criteria: Ambry Variant Classification Scheme 2023. Collection method: clinical testing. Allele origin: germline.
Comment: The p.T266A variant (also known as c.796A>G), located in coding exon 1 of the AXIN2 gene, results from an A to G substitution at nucleotide position 796. The threonine at codon 266 is replaced by alanine, an amino acid with similar properties. This amino acid position is conserved. In addition, this alteration is predicted to be tolerated by in silico analysis. Since supporting evidence is limited at this time, the clinical significance of this alteration remains unclear.

Baylor Genetics
Classification: Uncertain significance for Colorectal cancer. Last evaluated: 2023-10-21. Review status: criteria provided, single submitter. Criteria: ACMG Guidelines, 2015. Collection method: clinical testing. Allele origin: unknown.